The following is an entry in ClinVar:

NM_007194.4(CHEK2):c.593-79T>C

Gene: CHEK2 (checkpoint kinase 2; minus strand). Cytogenetic location: 22q12.1.
Variant type: single nucleotide variant.
Coding change: c.593-79T>C on transcript NM_007194.4 (MANE Select); 79 bases into the intron before coding-DNA position 593, T replaced by C.
Molecular consequence: intron variant.
Genome position (GRCh38, 1-based): chr22:28,719,564, A>G on the plus strand (T>C on the coding strand, the complement: CHEK2 is on the minus strand). VCF-style: chr22-28719564-A-G. GRCh37 (hg19) VCF-style: chr22-29115552-A-G.
Other names: c.-71-79T>C (NM_001437942.1, NM_001257387.3); c.482+5322T>C (NM_001349956.3); c.593-79T>C (NM_145862.3); c.686-79T>C (NM_001438295.1, NM_001438293.1); c.722-79T>C (NM_001438294.1, NM_001005735.3).
Identifiers: ClinVar variation 676532 (VCV000676532.1), dbSNP rs56109140, ClinGen allele CA14971292.
Genomic context (GRCh38, chr22:28,719,564, plus strand): 5'-GAAATGGGTTTCATTAATTTATTCACAAGAGGCGATCACTGATTCTAAAATTTATTCATC[A>G]TATGGAATATAAGAACTGTTTTTAACTACATTTAACATGTAACCTTAAGGAAATTAGTAT-3'

ClinVar aggregate classification (germline): Likely benign (1 of 4 stars; one submission).

Allele frequency attached by ClinVar (database versions not stated): 1000 Genomes Project 30x 0.00359; 1000 Genomes Project 0.00419; TOPMed 0.00667; gnomAD exomes 0.01155; gnomAD 0.01169.
gnomAD v4.1: 8,976 of 807,972 alleles (1.1%); highest among the groups gnomAD compares: Non-Finnish European, 1.2%; 94 homozygotes.

Submission:

GeneDx
Classification: Likely benign. Last evaluated: 2018-06-15. Review status: criteria provided, single submitter. Criteria: GeneDx Variant Classification (06012015). Collection method: clinical testing. Allele origin: germline. Affected: yes.
Comment: This variant is considered likely benign or benign based on one or more of the following criteria: it is a conservative change, it occurs at a poorly conserved position in the protein, it is predicted to be benign by multiple in silico algorithms, and/or has population frequency not consistent with disease.